The following is an entry in ClinVar:

ClinVar aggregate classification (germline): Uncertain significance (1 of 4 stars; one submission).

Submission:

GeneDx
Classification: Uncertain significance. Last evaluated: 2024-12-24. Review status: criteria provided, single submitter. Criteria: GeneDx Variant Classification Process June 2021. Collection method: clinical testing. Allele origin: germline. Affected: yes.
Comment: Not observed at significant frequency in large population cohorts (gnomAD); In silico analysis supports that this missense variant has a deleterious effect on protein structure/function; Has not been previously published as pathogenic or benign to our knowledge

NM_004387.4(NKX2-5):c.425G>T (p.Arg142Leu)

Gene: NKX2-5 (NK2 homeobox 5; minus strand). Cytogenetic location: 5q35.1.
Variant type: single nucleotide variant.
Coding change: c.425G>T on transcript NM_004387.4 (MANE Select); coding-DNA position 425, G replaced by T.
Protein change: p.Arg142Leu; replaces arginine 142 with leucine.
Molecular consequence: missense variant. On other transcripts: 3 prime UTR variant (2).
Genome position (GRCh38, 1-based): chr5:173,233,119, C>A on the plus strand (G>T on the coding strand, the complement: NKX2-5 is on the minus strand). VCF-style: chr5-173233119-C-A. GRCh37 (hg19) VCF-style: chr5-172660122-C-A.
Other names: c.*378G>T (NM_001166175.2); c.*224G>T (NM_001166176.2); short protein forms R142L.
Identifiers: ClinVar variation 4055840 (VCV004055840.1).
Genomic context (GRCh38, chr5:173,233,119, plus strand): 5'-TACCGCTGCTGCTTGAAGCGCCGCTCCAGCTCATAGACCTGCGCCTGCGAGAAGAGCACG[C>A]GCGGCTTCCTCCGCCGTCGCGCCCGGGGCCGCTCCGCGTTGTCCGCCTCTGTCTTCTCCA-3'
Protein context (NP_004378.1, residues 132-152): RPRARRRRKP[Arg142Leu]VLFSQAQVYE